The following is an entry in ClinVar:

NM_003072.5(SMARCA4):c.4328G>A (p.Arg1443His)

Gene: SMARCA4 (SWI/SNF related BAF chromatin remodeling complex subunit ATPase 4; plus strand). Cytogenetic location: 19p13.2.
Variant type: single nucleotide variant.
Coding change: c.4328G>A on transcript NM_003072.5 (MANE Select); coding-DNA position 4328, G replaced by A.
Protein change: p.Arg1443His; replaces arginine 1443 with histidine.
Molecular consequence: missense variant. On other transcripts: non-coding transcript variant (1).
Genome position (GRCh38, 1-based): chr19:11,041,464, G>A. VCF-style: chr19-11041464-G-A. GRCh37 (hg19) VCF-style: chr19-11152140-G-A.
Other names: c.4328G>A, p.Arg1443His (NM_001128844.3); c.4238G>A, p.Arg1413His (NM_001128845.2, NM_001128846.2); c.4229G>A, p.Arg1410His (NM_001128847.4, NM_001128848.2, NM_001374457.1); c.4424G>A, p.Arg1475His (NM_001128849.3, NM_001387283.1); c.4325G>A, p.Arg1442His (NM_001411150.1); short protein forms R1442H, R1410H, R1443H, R1413H, R1475H.
Identifiers: ClinVar variation 4749232 (VCV004749232.1).

ClinVar aggregate classification (germline): Uncertain significance (1 of 4 stars; one submission).

Conditions:
Rhabdoid tumor predisposition syndrome 2 (RTPS2). Identifiers: Orphanet 231108, Orphanet 69077, MedGen C2750074, MONDO:0013224, OMIM 613325.

gnomAD v4.1: 1 of 1,612,418 alleles (0.000062%); highest among the groups gnomAD compares: Non-Finnish European, 0.000085%; no homozygotes.

Submission:

Labcorp Genetics (formerly Invitae), Labcorp
Classification: Uncertain significance for Rhabdoid tumor predisposition syndrome 2. Last evaluated: 2025-06-25. Review status: criteria provided, single submitter. Criteria: Invitae Variant Classification Sherloc (09022015). Collection method: clinical testing. Allele origin: germline.
Comment: This sequence change replaces arginine, which is basic and polar, with histidine, which is basic and polar, at codon 1475 of the SMARCA4 protein (p.Arg1475His). This variant is not present in population databases (gnomAD no frequency). This variant has not been reported in the literature in individuals affected with SMARCA4-related conditions. Invitae Evidence Modeling of protein sequence and biophysical properties (such as structural, functional, and spatial information, amino acid conservation, physicochemical variation, residue mobility, and thermodynamic stability) indicates that this missense variant is expected to disrupt SMARCA4 protein function with a positive predictive value of 95%. In summary, the available evidence is currently insufficient to determine the role of this variant in disease. Therefore, it has been classified as a Variant of Uncertain Significance.